The following is an entry in ClinVar:

NM_002519.3(NPAT):c.3658G>C (p.Val1220Leu)

Gene: NPAT (nuclear protein, coactivator of histone transcription; minus strand). Cytogenetic location: 11q22.3.
Variant type: single nucleotide variant.
Coding change: c.3658G>C on transcript NM_002519.3 (MANE Select); coding-DNA position 3658, G replaced by C.
Protein change: p.Val1220Leu; replaces valine 1220 with leucine.
Molecular consequence: missense variant.
Genome position (GRCh38, 1-based): chr11:108,161,428, C>G on the plus strand (G>C on the coding strand, the complement: NPAT is on the minus strand). VCF-style: chr11-108161428-C-G. GRCh37 (hg19) VCF-style: chr11-108032155-C-G.
Other names: c.3679G>C, p.Val1227Leu (NM_001321307.1); short protein forms V1227L, V1220L.
Identifiers: ClinVar variation 3407272 (VCV003407272.1).

ClinVar aggregate classification (germline): Uncertain significance (1 of 4 stars; one submission).

Submission:

Ambry Genetics
Classification: Uncertain significance. Last evaluated: 2024-11-10. Review status: criteria provided, single submitter. Criteria: Ambry Variant Classification Scheme 2023. Collection method: clinical testing. Allele origin: germline.
Comment: The p.V1220L variant (also known as c.3658G>C), located in coding exon 17 of the NPAT gene, results from a G to C substitution at nucleotide position 3658. The valine at codon 1220 is replaced by leucine, an amino acid with highly similar properties. This amino acid position is conserved. In addition, this alteration is predicted to be tolerated by in silico analysis. Based on the available evidence, the clinical significance of this variant remains unclear.